The following is an entry in ClinVar:

NM_001029883.3(PCARE):c.3266C>T (p.Pro1089Leu)

Gene: PCARE (photoreceptor cilium actin regulator; minus strand). Cytogenetic location: 2p23.2.
Variant type: single nucleotide variant.
Coding change: c.3266C>T on transcript NM_001029883.3 (MANE Select); coding-DNA position 3266, C replaced by T.
Protein change: p.Pro1089Leu; replaces proline 1089 with leucine.
Molecular consequence: missense variant.
Genome position (GRCh38, 1-based): chr2:29,070,996, G>A on the plus strand (C>T on the coding strand, the complement: PCARE is on the minus strand). VCF-style: chr2-29070996-G-A. GRCh37 (hg19) VCF-style: chr2-29293862-G-A.
Other names: short protein forms P1089L.
Identifiers: ClinVar variation 854126 (VCV000854126.7), dbSNP rs1667466484, ClinGen allele CA346475472.

ClinVar aggregate classification (germline): Uncertain significance (1 of 4 stars; one submission).

Submission:

Labcorp Genetics (formerly Invitae), Labcorp
Classification: Uncertain significance. Last evaluated: 2020-01-28. Review status: criteria provided, single submitter. Criteria: Invitae Variant Classification Sherloc (09022015). Collection method: clinical testing. Allele origin: germline.
Comment: This sequence change replaces proline with leucine at codon 1089 of the PCARE protein (p.Pro1089Leu). The proline residue is moderately conserved and there is a moderate physicochemical difference between proline and leucine. In summary, the available evidence is currently insufficient to determine the role of this variant in disease. Therefore, it has been classified as a Variant of Uncertain Significance. Algorithms developed to predict the effect of missense changes on protein structure and function output the following: SIFT: "Deleterious"; PolyPhen-2: "Benign"; Align-GVGD: "Class C15". The leucine amino acid residue is found in multiple mammalian species, suggesting that this missense change does not adversely affect protein function. These predictions have not been confirmed by published functional studies and their clinical significance is uncertain. This variant has not been reported in the literature in individuals with PCARE-related conditions. This variant is not present in population databases (ExAC no frequency).